The following is an entry in ClinVar:

ClinVar aggregate classification (germline): Uncertain significance (1 of 4 stars; one submission).

Conditions:
Inborn genetic diseases. Identifiers: MedGen C0950123, MeSH D030342.

Submission:

Ambry Genetics
Classification: Uncertain significance for Inborn genetic diseases. Last evaluated: 2022-01-08. Review status: criteria provided, single submitter. Criteria: Ambry Variant Classification Scheme 2023. Collection method: clinical testing. Allele origin: germline.
Comment: The p.I134M variant (also known as c.402T>G), located in coding exon 4 of the LRRK2 gene, results from a T to G substitution at nucleotide position 402. The isoleucine at codon 134 is replaced by methionine, an amino acid with highly similar properties. This amino acid position is conserved. In addition, this alteration is predicted to be tolerated by in silico analysis. Since supporting evidence is limited at this time, the clinical significance of this alteration remains unclear.

NM_198578.4(LRRK2):c.402T>G (p.Ile134Met)

Gene: LRRK2 (leucine rich repeat kinase 2; plus strand). Cytogenetic location: 12q12.
Variant type: single nucleotide variant.
Coding change: c.402T>G on transcript NM_198578.4 (MANE Select); coding-DNA position 402, T replaced by G.
Protein change: p.Ile134Met; replaces isoleucine 134 with methionine.
Molecular consequence: missense variant.
Genome position (GRCh38, 1-based): chr12:40,235,680, T>G. VCF-style: chr12-40235680-T-G. GRCh37 (hg19) VCF-style: chr12-40629482-T-G.
Other names: short protein forms I134M.
Identifiers: ClinVar variation 1737196 (VCV001737196.2), dbSNP rs2499403378, ClinGen allele CA384402898.